The following is an entry in ClinVar:

NM_001378418.1(TCF20):c.410G>T (p.Gly137Val)

Gene: TCF20 (transcription factor 20; minus strand). Cytogenetic location: 22q13.2.
Variant type: single nucleotide variant.
Coding change: c.410G>T on transcript NM_001378418.1 (MANE Select); coding-DNA position 410, G replaced by T.
Protein change: p.Gly137Val; replaces glycine 137 with valine.
Molecular consequence: missense variant.
Genome position (GRCh38, 1-based): chr22:42,214,896, C>A on the plus strand (G>T on the coding strand, the complement: TCF20 is on the minus strand). VCF-style: chr22-42214896-C-A. GRCh37 (hg19) VCF-style: chr22-42610902-C-A.
Other names: c.410G>T, p.Gly137Val (NM_005650.4, NM_181492.3); short protein forms G137V.
Identifiers: ClinVar variation 2013581 (VCV002013581.4), dbSNP rs1156699069, ClinGen allele CA411793072.

ClinVar aggregate classification (germline): Uncertain significance (1 of 4 stars; one submission).

Allele frequency attached by ClinVar (database versions not stated): TOPMed 0.00001.
gnomAD v4.1: 2 of 1,614,182 alleles (0.00012%); highest among the groups gnomAD compares: African/African-American, 0.0013%; no homozygotes.

Submission:

Labcorp Genetics (formerly Invitae), Labcorp
Classification: Uncertain significance. Last evaluated: 2025-01-27. Review status: criteria provided, single submitter. Criteria: Invitae Variant Classification Sherloc (09022015). Collection method: clinical testing. Allele origin: germline.
Comment: This sequence change replaces glycine, which is neutral and non-polar, with valine, which is neutral and non-polar, at codon 137 of the TCF20 protein (p.Gly137Val). This variant is not present in population databases (gnomAD no frequency). This variant has not been reported in the literature in individuals affected with TCF20-related conditions. ClinVar contains an entry for this variant (Variation ID: 2013581). An algorithm developed to predict the effect of missense changes on protein structure and function (PolyPhen-2) suggests that this variant is likely to be tolerated. In summary, the available evidence is currently insufficient to determine the role of this variant in disease. Therefore, it has been classified as a Variant of Uncertain Significance.